The following is an entry in ClinVar:

ClinVar aggregate classification (germline): Uncertain significance. Review status: criteria provided, multiple submitters, no conflicts (2 of 4 stars). 2 submissions from 2 submitters: Uncertain significance (2). Last evaluated 2025-09-22.

Conditions:
Inborn genetic diseases. Identifiers: MedGen C0950123, MeSH D030342.

Allele frequency attached by ClinVar (database versions not stated): gnomAD exomes below 0.00001.
gnomAD v4.1: 5 of 1,614,124 alleles (0.00031%); highest among the groups gnomAD compares: Non-Finnish European, 0.00042%; no homozygotes.

Submissions (2):

Ambry Genetics
Classification: Uncertain significance for Inborn genetic diseases. Last evaluated: 2025-09-22. Review status: criteria provided, single submitter. Criteria: Ambry Variant Classification Scheme 2023. Collection method: clinical testing. Allele origin: germline.

GeneDx
Classification: Uncertain significance. Last evaluated: 2022-07-01. Review status: criteria provided, single submitter. Criteria: GeneDx Variant Classification Process June 2021. Collection method: clinical testing. Allele origin: germline. Affected: yes.
Comment: Not observed at significant frequency in large population cohorts (gnomAD); In silico analysis supports that this missense variant has a deleterious effect on protein structure/function; Has not been previously published as pathogenic or benign to our knowledge

NM_020971.3(SPTBN4):c.886C>T (p.Arg296Cys)

Gene: SPTBN4 (spectrin beta, non-erythrocytic 4; plus strand). Cytogenetic location: 19q13.2.
Variant type: single nucleotide variant.
Coding change: c.886C>T on transcript NM_020971.3 (MANE Select); coding-DNA position 886, C replaced by T.
Protein change: p.Arg296Cys; replaces arginine 296 with cysteine.
Molecular consequence: missense variant.
Genome position (GRCh38, 1-based): chr19:40,502,022, C>T. VCF-style: chr19-40502022-C-T. GRCh37 (hg19) VCF-style: chr19-41007929-C-T.
Other names: short protein forms R296C.
Identifiers: ClinVar variation 1810184 (VCV001810184.2), dbSNP rs2514978940, ClinGen allele CA405902326.